The following is an entry in ClinVar:

ClinVar aggregate classification (germline): Benign. Review status: criteria provided, multiple submitters, no conflicts (2 of 4 stars). 13 submissions from 10 submitters: Benign (11). 2 of the submissions do not count toward it. Last evaluated 2026-02-04.

Conditions:
Pseudohypoaldosteronism, type IB1, autosomal recessive. Also called: Pseudohypoaldosteronism, Type I, Autosomal Recessive; Pseudohypoaldosteronism, Type I, Recessive; PHA I, AUTOSOMAL RECESSIVE; Autosomal recessive pseudohypoaldosteronism type 1. Identifiers: Orphanet 171876, Orphanet 756, MedGen C5774176, MONDO:0009917, OMIM 264350.
Liddle syndrome 2. Identifiers: MedGen C4748251, MONDO:0020854, OMIM 618114.
Bronchiectasis with or without elevated sweat chloride 3 (BESC3). Identifiers: Orphanet 60033, MedGen C2751324, MONDO:0013112, OMIM 613071.

Allele frequency attached by ClinVar (database versions not stated): TOPMed 0.76688; 1000 Genomes Project 30x 0.77701; 1000 Genomes Project 0.78375; gnomAD exomes 0.80540 and 0.81398; ExAC 0.81062; ESP Exome Variant Server 0.75512; gnomAD 0.75623 and 0.76250.
gnomAD v4.1: 1,281,108 of 1,598,884 alleles (80%); highest among the groups gnomAD compares: East Asian, 89%; 514,858 homozygotes.

Submissions (13):

Labcorp Genetics (formerly Invitae), Labcorp
Classification: Benign. Last evaluated: 2026-02-04. Review status: criteria provided, single submitter. Criteria: Invitae Variant Classification Sherloc (09022015). Collection method: clinical testing. Allele origin: germline.

Blueprint Genetics
Classification: Benign. Last evaluated: 2024-11-27. Review status: criteria provided, single submitter. Criteria: ACMG Guidelines, 2015. Collection method: clinical testing. Allele origin: germline.

Genome-Nilou Lab
Classification: Benign for Bronchiectasis with or without elevated sweat chloride 3. Last evaluated: 2021-07-15. Review status: criteria provided, single submitter. Criteria: ACMG Guidelines, 2015. Collection method: clinical testing. Allele origin: germline. Affected: no.

Genome-Nilou Lab
Classification: Benign for Liddle syndrome 2. Last evaluated: 2021-07-15. Review status: criteria provided, single submitter. Criteria: ACMG Guidelines, 2015. Collection method: clinical testing. Allele origin: germline. Affected: no.

Genome-Nilou Lab
Classification: Benign for Pseudohypoaldosteronism, type IB1, autosomal recessive. Last evaluated: 2021-07-15. Review status: criteria provided, single submitter. Criteria: ACMG Guidelines, 2015. Collection method: clinical testing. Allele origin: germline. Affected: no.

GeneDx
Classification: Benign. Last evaluated: 2018-11-12. Review status: criteria provided, single submitter. Criteria: GeneDx Variant Classification Process June 2021. Collection method: clinical testing. Allele origin: germline. Affected: yes.

Illumina Laboratory Services, Illumina
Classification: Benign for Liddle syndrome 2. Last evaluated: 2018-01-13. Review status: criteria provided, single submitter. Criteria: ICSL Variant Classification Criteria 13 December 2019. Collection method: clinical testing. Allele origin: germline.
Comment: This variant was observed in the ICSL laboratory as part of a predisposition screen in an ostensibly healthy population. It had not been previously curated by ICSL or reported in the Human Gene Mutation Database (HGMD: prior to June 1st, 2018), and was therefore a candidate for classification through an automated scoring system. Utilizing variant allele frequency, disease prevalence and penetrance estimates, and inheritance mode, an automated score was calculated to assess if this variant is too frequent to cause the disease. Based on the score and internal cut-off values, a variant classified as benign is not then subjected to further curation. The score for this variant resulted in a classification of benign for this disease.

Illumina Laboratory Services, Illumina
Classification: Benign for Pseudohypoaldosteronism, type IB1, autosomal recessive. Last evaluated: 2018-01-13. Review status: criteria provided, single submitter. Criteria: ICSL Variant Classification Criteria 13 December 2019. Collection method: clinical testing. Allele origin: germline.
Comment: the same text as in the submission from Illumina Laboratory Services, Illumina above.

Laboratory for Molecular Medicine, Mass General Brigham Personalized Medicine
Classification: Benign. Last evaluated: 2013-02-21. Review status: criteria provided, single submitter. Criteria: LMM Criteria. Collection method: clinical testing. Allele origin: germline. Observed: 99 variant alleles.
Comment: 1176+14A>G in intron 7 of SCNN1G: This variant is not expected to have clinical significance because it is not located within the conserved splice consensus seq uence. It has been identified in 34.5% (1518/4394) of African American chromosom es from a broad population by the NHLBI Exome Sequencing Project (.; dbSNP rs5740).

Breakthrough Genomics
Classification: Benign. Review status: criteria provided, single submitter. Criteria: ACMG Guidelines, 2015. Collection method: not provided. Allele origin: germline. Inheritance: Autosomal dominant inheritance. Affected: yes.

PreventionGenetics, part of Exact Sciences
Classification: Benign. Review status: criteria provided, single submitter. Criteria: ACMG Guidelines, 2015. Collection method: clinical testing. Allele origin: germline.

Diagnostic Laboratory, Department of Genetics, University Medical Center Groningen
Classification: Benign. Review status: no assertion criteria provided. Collection method: clinical testing. Allele origin: germline. Affected: yes. Study: VKGL Data-share Consensus. Not counted in ClinVar's aggregate classification.

Joint Genome Diagnostic Labs from Nijmegen and Maastricht, Radboudumc and MUMC+
Classification: Benign. Review status: no assertion criteria provided. Collection method: clinical testing. Allele origin: germline. Affected: yes. Study: VKGL Data-share Consensus. Not counted in ClinVar's aggregate classification.

NM_001039.4(SCNN1G):c.1176+14A>G

Gene: SCNN1G (sodium channel epithelial 1 subunit gamma; plus strand). Cytogenetic location: 16p12.2.
Variant type: single nucleotide variant.
Coding change: c.1176+14A>G on transcript NM_001039.4 (MANE Select); 14 bases into the intron after coding-DNA position 1176, A replaced by G.
Molecular consequence: intron variant.
Genome position (GRCh38, 1-based): chr16:23,209,862, A>G. VCF-style: chr16-23209862-A-G. GRCh37 (hg19) VCF-style: chr16-23221183-A-G.
Identifiers: ClinVar variation 165176 (VCV000165176.33), dbSNP rs5740, ClinGen allele CA177893.